The following is an entry in ClinVar:

ClinVar aggregate classification (germline): Conflicting classifications of pathogenicity. Review status: criteria provided, conflicting classifications (1 of 4 stars). 6 submissions from 4 submitters: Likely pathogenic (1); Uncertain significance (5). Last evaluated 2025-07-13.

Conditions:
Amyotrophic lateral sclerosis type 5 (ALS5). Also called: AMYOTROPHIC LATERAL SCLEROSIS 5, JUVENILE. Identifiers: Orphanet 300605, MedGen C1865864, MONDO:0011196, OMIM 602099.
Hereditary spastic paraplegia 11. Also called: Spastic Paraplegia 11; SPASTIC PARAPLEGIA, AUTOSOMAL RECESSIVE, COMPLICATED, WITH THIN CORPUS CALLOSUM; SPASTIC PARAPLEGIA, AUTOSOMAL RECESSIVE, WITH MENTAL IMPAIRMENT AND THIN CORPUS CALLOSUM; Nakamura Osame syndrome; Autosomal recessive hereditary spastic paraplegia, mental impairment, and thin corpus callosum; Spastic paraplegia, mental retardation and thin corpus callosum. Identifiers: Orphanet 2822, MedGen C1858479, MONDO:0011445, OMIM 604360.
Charcot-Marie-Tooth disease axonal type 2X. Also called: CHARCOT-MARIE-TOOTH DISEASE, AXONAL, AUTOSOMAL RECESSIVE, TYPE 2X; CHARCOT-MARIE-TOOTH NEUROPATHY, TYPE 2X. Identifiers: Orphanet 466775, MedGen C5569024, MONDO:0014726, OMIM 616668.

Allele frequency attached by ClinVar (database versions not stated): gnomAD exomes below 0.00001; ExAC 0.00001; ESP Exome Variant Server 0.00008.
gnomAD v4.1: 15 of 1,614,004 alleles (0.00093%); highest among the groups gnomAD compares: African/African-American, 0.0013%; no homozygotes.

Submissions (6):

Labcorp Genetics (formerly Invitae), Labcorp
Classification: Likely pathogenic for Hereditary spastic paraplegia 11. Last evaluated: 2025-07-13. Review status: criteria provided, single submitter. Criteria: Invitae Variant Classification Sherloc (09022015). Collection method: clinical testing. Allele origin: germline.
Comment: This sequence change replaces leucine, which is neutral and non-polar, with arginine, which is basic and polar, at codon 2300 of the SPG11 protein (p.Leu2300Arg). This variant is present in population databases (rs371334506, gnomAD 0.002%). This missense change has been observed in individual(s) with dopa responsive dystonia (PMID: 30363882). In at least one individual the data is consistent with being in trans (on the opposite chromosome) from a pathogenic variant. ClinVar contains an entry for this variant (Variation ID: 560924). Invitae Evidence Modeling of protein sequence and biophysical properties (such as structural, functional, and spatial information, amino acid conservation, physicochemical variation, residue mobility, and thermodynamic stability) indicates that this missense variant is expected to disrupt SPG11 protein function with a positive predictive value of 80%. This variant disrupts the p.Leu2300 amino acid residue in SPG11. Other variant(s) that disrupt this residue have been determined to be pathogenic (PMID: 27217339, 28554332). This suggests that this residue is clinically significant, and that variants that disrupt this residue are likely to be disease-causing. In summary, the currently available evidence indicates that the variant is pathogenic, but additional data are needed to prove that conclusively. Therefore, this variant has been classified as Likely Pathogenic.

Women's Health and Genetics/Laboratory Corporation of America, LabCorp
Classification: Uncertain significance. Last evaluated: 2025-06-23. Review status: criteria provided, single submitter. Criteria: LabCorp Variant Classification Summary - May 2015. Collection method: clinical testing. Allele origin: germline.
Comment: Variant summary: SPG11 c.6899T>G (p.Leu2300Arg) results in a non-conservative amino acid change in the encoded protein sequence. Algorithms developed to predict the effect of missense changes on protein structure and function all suggest that this variant is likely to be disruptive. The variant allele was found at a frequency of 4e-06 in 251088 control chromosomes (gnomAD). The available data on variant occurrences in the general population are insufficient to allow any conclusion about variant significance. c.6899T>G has been observed in one individual affected with hereditary spastic paraplegia (Wijemanne_2015). These data do not allow any conclusion about variant significance. To our knowledge, no experimental evidence demonstrating an impact on protein function has been reported. The following publications have been ascertained in the context of this evaluation (PMID: 30363882, 35617747). ClinVar contains an entry for this variant (Variation ID: 560924). Based on the evidence outlined above, the variant was classified as uncertain significance.

Baylor Genetics
Classification: Uncertain significance for Amyotrophic lateral sclerosis type 5; Hereditary spastic paraplegia 11. Last evaluated: 2017-09-01. Review status: criteria provided, single submitter. Criteria: ACMG Guidelines, 2015. Collection method: clinical testing. Allele origin: paternal. Inheritance: Autosomal recessive inheritance. Affected: yes.

Genome-Nilou Lab
Classification: Uncertain significance for Amyotrophic lateral sclerosis type 5. Review status: criteria provided, single submitter. Criteria: ACMG Guidelines, 2015. Collection method: clinical testing. Allele origin: germline.

Genome-Nilou Lab
Classification: Uncertain significance for Charcot-Marie-Tooth disease axonal type 2X. Review status: criteria provided, single submitter. Criteria: ACMG Guidelines, 2015. Collection method: clinical testing. Allele origin: germline.

Genome-Nilou Lab
Classification: Uncertain significance for Hereditary spastic paraplegia 11. Review status: criteria provided, single submitter. Criteria: ACMG Guidelines, 2015. Collection method: clinical testing. Allele origin: germline.

Literature cited by the submitters: PubMed 30363882 (cited by Labcorp Genetics (formerly Invitae), Labcorp and Women's Health and Genetics/Laboratory Corporation of America, LabCorp); PubMed 27217339 (cited by Labcorp Genetics (formerly Invitae), Labcorp); PubMed 28554332 (cited by Labcorp Genetics (formerly Invitae), Labcorp); PubMed 35617747 (cited by Women's Health and Genetics/Laboratory Corporation of America, LabCorp); PubMed 25326635 (cited by Baylor Genetics).

NM_025137.4(SPG11):c.6899T>G (p.Leu2300Arg)

Gene: SPG11 (SPG11 vesicle trafficking associated, spatacsin; minus strand). Cytogenetic location: 15q21.1.
Variant type: single nucleotide variant.
Coding change: c.6899T>G on transcript NM_025137.4 (MANE Select); coding-DNA position 6899, T replaced by G.
Protein change: p.Leu2300Arg; replaces leucine 2300 with arginine.
Molecular consequence: missense variant.
Genome position (GRCh38, 1-based): chr15:44,565,954, A>C on the plus strand (T>G on the coding strand, the complement: SPG11 is on the minus strand). VCF-style: chr15-44565954-A-C. GRCh37 (hg19) VCF-style: chr15-44858152-A-C.
Other names: c.6560T>G, p.Leu2187Arg (NM_001160227.2); short protein forms L2300R, L2187R.
Identifiers: ClinVar variation 560924 (VCV000560924.15), dbSNP rs371334506, ClinGen allele CA7533957.